The following is an entry in ClinVar:

NM_138713.4(NFAT5):c.1197G>A (p.Ala399=)

Gene: NFAT5 (nuclear factor of activated T cells 5; plus strand). Cytogenetic location: 16q22.1.
Variant type: single nucleotide variant.
Coding change: c.1197G>A on transcript NM_138713.4 (MANE Select); coding-DNA position 1197, G replaced by A.
Protein change: p.Ala399=; no amino-acid change (alanine 399 retained).
Molecular consequence: synonymous variant.
Genome position (GRCh38, 1-based): chr16:69,659,727, G>A. VCF-style: chr16-69659727-G-A. GRCh37 (hg19) VCF-style: chr16-69693630-G-A.
Other names: c.1197G>A, p.Ala399= (NM_001113178.3); c.525G>A, p.Ala175= (NM_001367709.1); c.1143G>A, p.Ala381= (NM_006599.4); c.915G>A, p.Ala305= (NM_138714.4, NM_173214.3, NM_173215.3).
Identifiers: ClinVar variation 2988787 (VCV002988787.3), dbSNP rs767475443, ClinGen allele CA8135495.

ClinVar aggregate classification (germline): Uncertain significance (1 of 4 stars; one submission).

Conditions:
Immunodeficiency. Identifiers: MedGen C0021051, MONDO:0021094, HP:0002721.

Allele frequency attached by ClinVar (database versions not stated): gnomAD exomes 0.00001.
gnomAD v4.1: 3 of 1,602,978 alleles (0.00019%); highest among the groups gnomAD compares: Non-Finnish European, 0.00026%; no homozygotes.

Submission:

Labcorp Genetics (formerly Invitae), Labcorp
Classification: Uncertain significance for Immunodeficiency. Last evaluated: 2023-06-15. Review status: criteria provided, single submitter. Criteria: Invitae Variant Classification Sherloc (09022015). Collection method: clinical testing. Allele origin: germline.
Comment: In summary, the available evidence is currently insufficient to determine the role of this variant in disease. Therefore, it has been classified as a Variant of Uncertain Significance. Algorithms developed to predict the effect of sequence changes on RNA splicing suggest that this variant is not likely to affect RNA splicing. This variant has not been reported in the literature in individuals affected with NFAT5-related conditions. This variant is present in population databases (rs767475443, gnomAD 0.0009%). This sequence change affects codon 305 of the NFAT5 mRNA. It is a 'silent' change, meaning that it does not change the encoded amino acid sequence of the NFAT5 protein. It affects a nucleotide within the consensus splice site.